The following is an entry in ClinVar:

ClinVar aggregate classification (germline): Uncertain significance (1 of 4 stars; one submission).

Conditions:
Inborn genetic diseases. Identifiers: MedGen C0950123, MeSH D030342.

Submission:

Ambry Genetics
Classification: Uncertain significance for Inborn genetic diseases. Last evaluated: 2025-05-07. Review status: criteria provided, single submitter. Criteria: Ambry Variant Classification Scheme 2023. Collection method: clinical testing. Allele origin: germline.
Comment: The p.D98A variant (also known as c.293A>C), located in coding exon 1 of the SAMD9 gene, results from an A to C substitution at nucleotide position 293. The aspartic acid at codon 98 is replaced by alanine, an amino acid with dissimilar properties. This amino acid position is conserved. In addition, this alteration is predicted to be tolerated by in silico analysis. Based on the available evidence, the clinical significance of this variant remains unclear.

NM_017654.4(SAMD9):c.293A>C (p.Asp98Ala)

Gene: SAMD9 (sterile alpha motif domain containing 9; minus strand). Cytogenetic location: 7q21.2.
Variant type: single nucleotide variant.
Coding change: c.293A>C on transcript NM_017654.4 (MANE Select); coding-DNA position 293, A replaced by C.
Protein change: p.Asp98Ala; replaces aspartic acid 98 with alanine.
Molecular consequence: missense variant.
Genome position (GRCh38, 1-based): chr7:93,105,805, T>G on the plus strand (A>C on the coding strand, the complement: SAMD9 is on the minus strand). VCF-style: chr7-93105805-T-G. GRCh37 (hg19) VCF-style: chr7-92735118-T-G.
Other names: c.293A>C, p.Asp98Ala (NM_001193307.2); short protein forms D98A.
Identifiers: ClinVar variation 3949612 (VCV003949612.1).
Genomic context (GRCh38, chr7:93,105,805, plus strand): 5'-TCTTTACCCTTTTGTTTTTGCTTTGAAGTTTCTCTACGTTCCTTTTGAGACACAGTTTGG[T>G]CTTTAGGAGCATTTTTACTGGGCTTTCCCATCTTAGATGTCTGAATCGAATCTTCAATGG-3'
Protein context (NP_060124.2, residues 88-108): MGKPSKNAPK[Asp98Ala]QTVSQKERRE